The following is an entry in ClinVar:

ClinVar aggregate classification (germline): Likely pathogenic (1 of 4 stars; one submission).

Conditions:
Niemann-Pick disease, type C1. Also called: NEUROVISCERAL STORAGE DISEASE WITH VERTICAL SUPRANUCLEAR OPHTHALMOPLEGIA; NIEMANN-PICK DISEASE WITH CHOLESTEROL ESTERIFICATION BLOCK; NIEMANN-PICK DISEASE WITHOUT SPHINGOMYELINASE DEFICIENCY; NIEMANN-PICK DISEASE, CHRONIC NEURONOPATHIC FORM; NIEMANN-PICK DISEASE, VARIANT TYPE C1. Identifiers: Orphanet 646, MedGen C3179455, MONDO:0009757, OMIM 257220.

Submission:

Labcorp Genetics (formerly Invitae), Labcorp
Classification: Likely pathogenic for Niemann-Pick disease, type C1. Last evaluated: 2025-04-11. Review status: criteria provided, single submitter. Criteria: Invitae Variant Classification Sherloc (09022015). Collection method: clinical testing. Allele origin: germline.
Comment: This sequence change replaces phenylalanine, which is neutral and non-polar, with leucine, which is neutral and non-polar, at codon 763 of the NPC1 protein (p.Phe763Leu). This variant is not present in population databases (gnomAD no frequency). This missense change has been observed in individual(s) with Niemann-Pick type C (PMID: 16126423). Invitae Evidence Modeling of protein sequence and biophysical properties (such as structural, functional, and spatial information, amino acid conservation, physicochemical variation, residue mobility, and thermodynamic stability) indicates that this missense variant is expected to disrupt NPC1 protein function with a positive predictive value of 95%. In summary, the currently available evidence indicates that the variant is pathogenic, but additional data are needed to prove that conclusively. Therefore, this variant has been classified as Likely Pathogenic.

Literature cited by the submitters: PubMed 16126423.

NM_000271.5(NPC1):c.2287T>C (p.Phe763Leu)

Gene: NPC1 (NPC intracellular cholesterol transporter 1; minus strand). Cytogenetic location: 18q11.2.
Variant type: single nucleotide variant.
Coding change: c.2287T>C on transcript NM_000271.5 (MANE Select); coding-DNA position 2287, T replaced by C.
Protein change: p.Phe763Leu; replaces phenylalanine 763 with leucine.
Molecular consequence: missense variant.
Genome position (GRCh38, 1-based): chr18:23,541,392, A>G on the plus strand (T>C on the coding strand, the complement: NPC1 is on the minus strand). VCF-style: chr18-23541392-A-G. GRCh37 (hg19) VCF-style: chr18-21121356-A-G.
Other names: short protein forms F763L.
Identifiers: ClinVar variation 4710445 (VCV004710445.1).